The following is an entry in ClinVar:

ClinVar aggregate classification (germline): Pathogenic (1 of 4 stars; one submission).

Conditions:
DYRK1A-related intellectual disability syndrome (MRD7). Also called: Intellectual developmental disorder, autosomal dominant 7; DYRK1A Syndrome. Identifiers: Orphanet 464306, MedGen C5568143, MONDO:0013578, OMIM 614104.

Submission:

Labcorp Genetics (formerly Invitae), Labcorp
Classification: Pathogenic for DYRK1A-related intellectual disability syndrome. Last evaluated: 2022-07-12. Review status: criteria provided, single submitter. Criteria: Invitae Variant Classification Sherloc (09022015). Collection method: clinical testing. Allele origin: germline.
Comment: For these reasons, this variant has been classified as Pathogenic. Experimental studies have shown that this missense change affects DYRK1A function (PMID: 34345024). Advanced modeling of protein sequence and biophysical properties (such as structural, functional, and spatial information, amino acid conservation, physicochemical variation, residue mobility, and thermodynamic stability) performed at Invitae indicates that this missense variant is expected to disrupt DYRK1A protein function. ClinVar contains an entry for this variant (Variation ID: 655610). This missense change has been observed in individual(s) with DYRK1A-related disease (Invitae). In at least one individual the variant was observed to be de novo. This variant is not present in population databases (gnomAD no frequency). This sequence change replaces glycine, which is neutral and non-polar, with arginine, which is basic and polar, at codon 171 of the DYRK1A protein (p.Gly171Arg).

Literature cited by the submitters: PubMed 34345024.

NM_001347721.2(DYRK1A):c.484G>A (p.Gly162Arg)

Gene: DYRK1A (dual specificity tyrosine phosphorylation regulated kinase 1A; plus strand). Cytogenetic location: 21q22.13.
Variant type: single nucleotide variant.
Coding change: c.484G>A on transcript NM_001347721.2 (MANE Select); coding-DNA position 484, G replaced by A.
Protein change: p.Gly162Arg; replaces glycine 162 with arginine.
Molecular consequence: missense variant.
Genome position (GRCh38, 1-based): chr21:37,480,821, G>A. VCF-style: chr21-37480821-G-A. GRCh37 (hg19) VCF-style: chr21-38853123-G-A.
Other names: c.484G>A, p.Gly162Arg (NM_001347722.2, NM_130436.2); c.397G>A, p.Gly133Arg (NM_001347723.2); c.511G>A, p.Gly171Arg (NM_001396.5, NM_101395.2, NM_130438.2); short protein forms G162R, G171R, G133R.
Identifiers: ClinVar variation 655610 (VCV000655610.11), dbSNP rs1555980467, ClinGen allele CA409944700.